The following is an entry in ClinVar:

ClinVar aggregate classification (germline): Uncertain significance (1 of 4 stars; one submission).

Allele frequency attached by ClinVar (database versions not stated): TOPMed 0.00001.

Submission:

Ambry Genetics
Classification: Uncertain significance. Last evaluated: 2024-01-15. Review status: criteria provided, single submitter. Criteria: Ambry Variant Classification Scheme 2023. Collection method: clinical testing. Allele origin: germline.
Comment: The p.A164T variant (also known as c.490G>A), located in coding exon 3 of the MNDA gene, results from a G to A substitution at nucleotide position 490. The alanine at codon 164 is replaced by threonine, an amino acid with similar properties. This amino acid position is conserved. In addition, this alteration is predicted to be tolerated by in silico analysis. Since supporting evidence is limited at this time, the clinical significance of this alteration remains unclear.

NM_002432.3(MNDA):c.490G>A (p.Ala164Thr)

Gene: MNDA (myeloid cell nuclear differentiation antigen; plus strand). Cytogenetic location: 1q23.1.
Variant type: single nucleotide variant.
Coding change: c.490G>A on transcript NM_002432.3 (MANE Select); coding-DNA position 490, G replaced by A.
Protein change: p.Ala164Thr; replaces alanine 164 with threonine.
Molecular consequence: missense variant.
Genome position (GRCh38, 1-based): chr1:158,844,042, G>A. VCF-style: chr1-158844042-G-A. GRCh37 (hg19) VCF-style: chr1-158813832-G-A.
Other names: short protein forms A164T.
Identifiers: ClinVar variation 1744037 (VCV001744037.2), dbSNP rs947487276, ClinGen allele CA31304333.
Genomic context (GRCh38, chr1:158,844,042, plus strand): 5'-ACTGAAGCCAAAAGGAATAAGGTGTCCCAAGAGCAGAGTAAGCCCCCAGGTCCCTCAGGA[G>A]CCAGCACATCTGCAGCTGTGGATCATCCCCCACTACCCCAGACCTCATCATCAACTCCAT-3'
Protein context (NP_002423.1, residues 154-174): EQSKPPGPSG[Ala164Thr]STSAAVDHPP